The following is an entry in ClinVar:

ClinVar aggregate classification (germline): Uncertain significance (1 of 4 stars; one submission).

Conditions:
Joubert syndrome. Also called: JOUBERT-BOLTSHAUSER SYNDROME; Familial aplasia of the vermis. Identifiers: Orphanet 475, MedGen C5979921, MONDO:0018772.
Meckel-Gruber syndrome. Also called: DYSENCEPHALIA SPLANCHNOCYSTICA; GRUBER SYNDROME; Dysencephalia splachnocystica. Identifiers: Orphanet 564, MedGen C0265215, MONDO:0018921.

Submission:

Labcorp Genetics (formerly Invitae), Labcorp
Classification: Uncertain significance for Joubert syndrome; Meckel-Gruber syndrome. Last evaluated: 2024-12-16. Review status: criteria provided, single submitter. Criteria: Invitae Variant Classification Sherloc (09022015). Collection method: clinical testing. Allele origin: germline.
Comment: This sequence change replaces leucine, which is neutral and non-polar, with glutamine, which is neutral and polar, at codon 1183 of the CC2D2A protein (p.Leu1183Gln). This variant is not present in population databases (gnomAD no frequency). This variant has not been reported in the literature in individuals affected with CC2D2A-related conditions. ClinVar contains an entry for this variant (Variation ID: 1347451). Invitae Evidence Modeling of protein sequence and biophysical properties (such as structural, functional, and spatial information, amino acid conservation, physicochemical variation, residue mobility, and thermodynamic stability) indicates that this missense variant is expected to disrupt CC2D2A protein function with a positive predictive value of 95%. In summary, the available evidence is currently insufficient to determine the role of this variant in disease. Therefore, it has been classified as a Variant of Uncertain Significance.

NM_001378615.1(CC2D2A):c.3548T>A (p.Leu1183Gln)

Genes: CC2D2A (coiled-coil and C2 domain containing 2A; plus strand), FBXL5 (F-box and leucine rich repeat protein 5; minus strand). Cytogenetic location: 4p15.32.
Variant type: single nucleotide variant.
Coding change: c.3548T>A on transcript NM_001378615.1 (MANE Select); coding-DNA position 3548, T replaced by A.
Protein change: p.Leu1183Gln; replaces leucine 1183 with glutamine.
Molecular consequence: missense variant.
Genome position (GRCh38, 1-based): chr4:15,570,450, T>A. VCF-style: chr4-15570450-T-A. GRCh37 (hg19) VCF-style: chr4-15572073-T-A.
Other names: c.3548T>A, p.Leu1183Gln (NM_001080522.2); c.3401T>A, p.Leu1134Gln (NM_001378617.1); short protein forms L1183Q, L1134Q.
Identifiers: ClinVar variation 1347451 (VCV001347451.8), dbSNP rs2109073973, ClinGen allele CA356421984.